The following is an entry in ClinVar:

ClinVar aggregate classification (germline): Pathogenic (1 of 4 stars; one submission).
ClinVar aggregate classification (somatic clinical impact): Tier II - Potential (1 of 4 stars; one submission).

Conditions:
Medulloblastoma WNT activated. Identifiers: MedGen C4331965, MONDO:0850196.

Submissions (6):

Institute for Genomic Medicine (IGM) Clinical Laboratory, Nationwide Children's Hospital
Classification: Tier II - Potential for Medulloblastoma WNT activated. Assertion type: diagnostic. Clinical significance: supports diagnosis. Last evaluated: 2025-06-04. Review status: criteria provided, single submitter. Criteria: AMP/ASCO/CAP Guidelines, 2017. Collection method: clinical testing. Allele origin: somatic. Affected: yes.
Comment: Variant has Tier II (potential) clinical significance as a diagnostic inclusion criterion in medulloblastoma WNT activated, based on the following evidence: 1) Documented in one or more cancer databases (e.g., St. Jude Pecan, COSMIC, CIViC, OncoKB). 2) Appears in one or more well-established professional guidelines (e.g., World Health Organization [WHO]; National Comprehensive Cancer Network [NCCN]) as providing diagnostic, prognostic, or therapeutic information. 3) Diagnostic significance based on multiple small studies (Evidence Level C; PMIDs: 22832583, 22722829, 28726821, 22820256).

GeneDx
Classification: Pathogenic. Last evaluated: 2023-08-11. Review status: criteria provided, single submitter. Criteria: GeneDx Variant Classification Process June 2021. Collection method: clinical testing. Allele origin: germline. Affected: yes.
Comment: Not observed at significant frequency in large population cohorts (gnomAD); In silico analysis supports that this missense variant has a deleterious effect on protein structure/function; In silico analysis suggests this variant may impact gene splicing. In the absence of RNA/functional studies, the actual effect of this sequence change is unknown.; This variant is associated with the following publications: (PMID: 33993884)

Dr. Peter K. Rogan Lab, Western University
No classification provided (evidence only). Condition: Thyroid cancer, nonmedullary, 1. Review status: no classification provided. Collection method: in vitro. Allele origin: not applicable. Functional consequence: retained intron. Not counted in ClinVar's aggregate classification.

Dr. Peter K. Rogan Lab, Western University
No classification provided (evidence only). Condition: Thyroid cancer, nonmedullary, 1. Review status: no classification provided. Collection method: in vitro. Allele origin: not applicable. Functional consequence: retained intron. Not counted in ClinVar's aggregate classification.

Dr. Peter K. Rogan Lab, Western University
No classification provided (evidence only). Condition: Thyroid cancer, nonmedullary, 1. Review status: no classification provided. Collection method: in vitro. Allele origin: not applicable. Functional consequence: retained intron. Not counted in ClinVar's aggregate classification.

Dr. Peter K. Rogan Lab, Western University
No classification provided (evidence only). Condition: Nonpapillary renal cell carcinoma. Review status: no classification provided. Collection method: in vitro. Allele origin: not applicable. Functional consequence: retained intron. Not counted in ClinVar's aggregate classification.

Literature cited by the submitters: PubMed 22832583 (cited by Institute for Genomic Medicine (IGM) Clinical Laboratory, Nationwide Children's Hospital); PubMed 22722829 (cited by Institute for Genomic Medicine (IGM) Clinical Laboratory, Nationwide Children's Hospital); PubMed 28726821 (cited by Institute for Genomic Medicine (IGM) Clinical Laboratory, Nationwide Children's Hospital); PubMed 22820256 (cited by Institute for Genomic Medicine (IGM) Clinical Laboratory, Nationwide Children's Hospital).

NM_001356.5(DDX3X):c.875G>T (p.Arg292Leu)

Gene: DDX3X (DEAD-box helicase 3 X-linked; plus strand). Cytogenetic location: Xp11.4.
Variant type: single nucleotide variant.
Coding change: c.875G>T on transcript NM_001356.5 (MANE Select); coding-DNA position 875, G replaced by T.
Protein change: p.Arg292Leu; replaces arginine 292 with leucine.
Molecular consequence: missense variant. On other transcripts: non-coding transcript variant (1).
Genome position (GRCh38, 1-based): chrX:41,344,249, G>T. VCF-style: chrX-41344249-G-T. GRCh37 (hg19) VCF-style: chrX-41203502-G-T.
Other names: NC_000023.10:g.41203502G>T; c.875G>T, p.Arg292Leu (NM_001193416.3); c.827G>T, p.Arg276Leu (NM_001193417.3); c.317G>T, p.Arg106Leu (NM_001363819.1); short protein forms R106L, R276L, R292L.
Identifiers: ClinVar variation 1205549 (VCV001205549.6), dbSNP rs1064796759, ClinGen allele CA412770625.